The following is an entry in ClinVar:

ClinVar aggregate classification (germline): Conflicting classifications of pathogenicity. Review status: criteria provided, conflicting classifications (1 of 4 stars). 3 submissions from 3 submitters: Uncertain significance (2); Likely benign (1). Last evaluated 2026-03-27.

Conditions:
KCNMA1-related disorder. Also called: KCNMA1-related condition; KCNMA1-related disorders.

gnomAD v4.1: 280 of 1,552,064 alleles (0.018%); highest among the groups gnomAD compares: Admixed American, 0.043%; no homozygotes.

Submissions (3):

Women's Health and Genetics/Laboratory Corporation of America, LabCorp
Classification: Uncertain significance. Last evaluated: 2026-03-27. Review status: criteria provided, single submitter. Criteria: LabCorp Variant Classification Summary - May 2015. Collection method: clinical testing. Allele origin: germline.
Comment: Variant summary: KCNMA1 c.2116A>T (p.Met706Leu) results in a conservative amino acid change in the encoded protein sequence. Algorithms developed to predict the effect of missense changes on protein structure and function are either unavailable or do not agree on the potential impact of this missense change. The variant allele was found at a frequency of 0.00034 in 157774 control chromosomes. This frequency is not significantly higher than estimated for disease-causing variants in KCNMA1, allowing no conclusion about variant significance. To our knowledge, no occurrence of c.2116A>T in individuals affected with KCNMA1-related conditions and no experimental evidence demonstrating its impact on protein function have been reported. No submitters have cited clinical-significance assessments for this variant to ClinVar. Based on the evidence outlined above, the variant was classified as uncertain significance.

PreventionGenetics, part of Exact Sciences
Classification: Likely benign for KCNMA1-related condition. Last evaluated: 2025-12-10. Review status: criteria provided, single submitter. Criteria: ACMG Guidelines, 2015. Collection method: clinical testing. Allele origin: germline.
Comment: This variant is classified as likely benign based on ACMG/AMP sequence variant interpretation guidelines (Richards et al. 2015 PMID: 25741868, with internal and published modifications).

Blueprint Genetics
Classification: Uncertain significance. Last evaluated: 2024-08-05. Review status: criteria provided, single submitter. Criteria: ACMG Guidelines, 2015. Collection method: clinical testing. Allele origin: germline.

NM_001161352.2(KCNMA1):c.2116A>T (p.Met706Leu)

Gene: KCNMA1 (potassium calcium-activated channel subfamily M alpha 1; minus strand). Cytogenetic location: 10q22.3.
Variant type: single nucleotide variant.
Coding change: c.2116A>T on transcript NM_001161352.2 (MANE Select); coding-DNA position 2116, A replaced by T.
Protein change: p.Met706Leu; replaces methionine 706 with leucine.
Molecular consequence: missense variant. On other transcripts: intron variant (15).
Genome position (GRCh38, 1-based): chr10:77,001,557, T>A on the plus strand (A>T on the coding strand, the complement: KCNMA1 is on the minus strand). VCF-style: chr10-77001557-T-A. GRCh37 (hg19) VCF-style: chr10-78761315-T-A.
Other names: c.2116A>T (NM_001161352.1); c.2101+6628A>T (NM_001322829.2, NM_001322836.2, NM_001271519.2); c.2104+10410A>T (NM_001014797.3, NM_001322835.2, NM_001322837.2); c.2113+6628A>T (NM_001322830.2); c.1552+10410A>T (NM_001322838.2); c.2092+10410A>T (NM_002247.4, NM_001161353.2, NM_001322832.2 and 2 more transcripts); c.2224+10410A>T (NM_001437422.1); c.1942+10410A>T (NM_001271518.2); short protein forms M706L.
Identifiers: ClinVar variation 4847628 (VCV004847628.3).